The following is an entry in ClinVar:

NM_025144.4(ALPK1):c.3069dup (p.Leu1024fs)

Gene: ALPK1 (alpha kinase 1; plus strand). Cytogenetic location: 4q25.
Variant type: Duplication.
Coding change: c.3069dup on transcript NM_025144.4 (MANE Select); coding-DNA position 3069, one base duplicated (A; older notation c.3069dupA).
Protein change: p.Leu1024fs; shifts the reading frame from leucine 1024.
Molecular consequence: frameshift variant.
Genome position (GRCh38, 1-based): chr4:112,435,182, A duplicated; the last of 2 consecutive A bases (chr4:112,435,181-112,435,182); duplicating either gives the same sequence. VCF-style (leftmost placement, unchanged base first): chr4-112435180-G-GA. GRCh37 (hg19) VCF-style: chr4-113356336-G-GA.
Other names: c.3069dup, p.Leu1024fs (NM_001102406.2); c.2835dup, p.Leu946fs (NM_001253884.2); c.3068dup (NM_025144.4); short protein forms L1024fs, L946fs.
Identifiers: ClinVar variation 2431916 (VCV002431916.2), dbSNP rs2476511823, ClinGen allele CA2580071369.

ClinVar aggregate classification (germline): Uncertain significance (1 of 4 stars; one submission).

Conditions:
Retinal dystrophy, optic nerve edema, splenomegaly, anhidrosis, and migraine headache syndrome. Also called: Splenomegaly, cytopenia, and vision loss; Optic nerve edema-splenomegaly syndrome; ROSAH syndrome; ALPK1-Related Autoinflammatory Disease. Identifiers: Orphanet 313800, MedGen C4749914, MONDO:0013999, OMIM 614979.

Submission:

Laboratorio de Genetica e Diagnostico Molecular, Hospital Israelita Albert Einstein
Classification: Uncertain significance for Retinal dystrophy, optic nerve edema, splenomegaly, anhidrosis, and migraine headache syndrome. Last evaluated: 2022-08-04. Review status: criteria provided, single submitter. Criteria: ACMG Guidelines, 2015. Collection method: clinical testing. Allele origin: germline. Affected: yes.
Comment: ACMG classification criteria: PM2 moderated